The following is an entry in ClinVar:

NM_000093.5(COL5A1):c.3654A>G (p.Arg1218=)

Gene: COL5A1 (collagen type V alpha 1 chain; plus strand). Cytogenetic location: 9q34.3.
Variant type: single nucleotide variant.
Coding change: c.3654A>G on transcript NM_000093.5 (MANE Select); coding-DNA position 3654, A replaced by G.
Protein change: p.Arg1218=; no amino-acid change (arginine 1218 retained).
Molecular consequence: synonymous variant.
Genome position (GRCh38, 1-based): chr9:134,811,563, A>G. VCF-style: chr9-134811563-A-G. GRCh37 (hg19) VCF-style: chr9-137703409-A-G.
Other names: c.3654A>G, p.Arg1218= (NM_001278074.1); c.3654A>G (NM_000093.4).
Identifiers: ClinVar variation 1538096 (VCV001538096.10), dbSNP rs1330978908, ClinGen allele CA467661899.

ClinVar aggregate classification (germline): Likely benign. Review status: criteria provided, single submitter (1 of 4 stars). 2 submissions from 2 submitters: Likely benign (1). 1 of the submissions does not count toward it. Last evaluated 2025-07-31.

Conditions:
COL5A1-related disorder. Also called: COL5A1-related condition.
Ehlers-Danlos syndrome, classic type, 1 (EDSCL1). Also called: EHLERS-DANLOS SYNDROME, GRAVIS TYPE; EHLERS-DANLOS SYNDROME, SEVERE CLASSIC TYPE; Ehlers-Danlos syndrome, type 1; Ehlers-Danlos Syndrome, Classic Type, COL5A1-Related; EDS I. Identifiers: MedGen C0268335, MONDO:0019567, OMIM 130000.

Allele frequency attached by ClinVar (database versions not stated): gnomAD exomes 0.00001.

Submissions (2):

Labcorp Genetics (formerly Invitae), Labcorp
Classification: Likely benign for Ehlers-Danlos syndrome, classic type, 1. Last evaluated: 2025-07-31. Review status: criteria provided, single submitter. Criteria: Invitae Variant Classification Sherloc (09022015). Collection method: clinical testing. Allele origin: germline.

PreventionGenetics, part of Exact Sciences
Classification: Uncertain significance for COL5A1-related condition. Last evaluated: 2023-11-06. Review status: no assertion criteria provided. Collection method: clinical testing. Allele origin: germline. Not counted in ClinVar's aggregate classification.
Comment: The COL5A1 c.3654A>G variant is not predicted to result in an amino acid change (p.=). This variant is predicted to alter splicing based on available splicing prediction programs (SpliceAI, Jaganathan et al. 2019. PubMed ID: 30661751). However, the use of computer prediction programs is not equivalent to functional evidence. To our knowledge, this variant has not been reported in the literature. This variant is reported in 0.0014% of alleles in individuals of European (Non-Finnish) descent in gnomAD. At this time, the clinical significance of this variant is uncertain due to the absence of conclusive functional and genetic evidence.